The following is an entry in ClinVar:

NM_001163435.3(TBCK):c.1402C>T (p.Pro468Ser)

Gene: TBCK (TBC1 domain containing kinase; minus strand). Cytogenetic location: 4q24.
Variant type: single nucleotide variant.
Coding change: c.1402C>T on transcript NM_001163435.3 (MANE Select); coding-DNA position 1402, C replaced by T.
Protein change: p.Pro468Ser; replaces proline 468 with serine.
Molecular consequence: missense variant.
Genome position (GRCh38, 1-based): chr4:106,235,316, G>A on the plus strand (C>T on the coding strand, the complement: TBCK is on the minus strand). VCF-style: chr4-106235316-G-A. GRCh37 (hg19) VCF-style: chr4-107156473-G-A.
Other names: c.1402C>T, p.Pro468Ser (NM_001163436.4); c.1285C>T, p.Pro429Ser (NM_001163437.3); c.886C>T, p.Pro296Ser (NM_001290768.2); c.1213C>T, p.Pro405Ser (NM_033115.5); short protein forms P429S, P468S, P296S, P405S.
Identifiers: ClinVar variation 1362321 (VCV001362321.8), dbSNP rs758360179, ClinGen allele CA3035079.

ClinVar aggregate classification (germline): Uncertain significance (1 of 4 stars; one submission).

Allele frequency attached by ClinVar (database versions not stated): gnomAD exomes below 0.00001 and 0.00001; ExAC 0.00001.
gnomAD v4.1: 12 of 1,610,726 alleles (0.00075%); highest among the groups gnomAD compares: South Asian, 0.011%; no homozygotes.

Submission:

Labcorp Genetics (formerly Invitae), Labcorp
Classification: Uncertain significance. Last evaluated: 2023-12-18. Review status: criteria provided, single submitter. Criteria: Invitae Variant Classification Sherloc (09022015). Collection method: clinical testing. Allele origin: germline.
Comment: This sequence change replaces proline, which is neutral and non-polar, with serine, which is neutral and polar, at codon 468 of the TBCK protein (p.Pro468Ser). This variant is present in population databases (rs758360179, gnomAD 0.0009%). This variant has not been reported in the literature in individuals affected with TBCK-related conditions. ClinVar contains an entry for this variant (Variation ID: 1362321). Advanced modeling of protein sequence and biophysical properties (such as structural, functional, and spatial information, amino acid conservation, physicochemical variation, residue mobility, and thermodynamic stability) has been performed at Invitae for this missense variant, however the output from this modeling did not meet the statistical confidence thresholds required to predict the impact of this variant on TBCK protein function. In summary, the available evidence is currently insufficient to determine the role of this variant in disease. Therefore, it has been classified as a Variant of Uncertain Significance.